The following is an entry in ClinVar:

NC_000011.10:g.(?_108258976)_(108335971_?)dup

Gene: ATM (ATM serine/threonine kinase; plus strand). Cytogenetic location: 11q22.3.
Variant type: Duplication.
Identifiers: ClinVar variation 830516 (VCV000830516.6).

ClinVar aggregate classification (germline): Uncertain significance (1 of 4 stars; one submission).

Conditions:
Ataxia-telangiectasia syndrome (AT). Also called: ATAXIA-TELANGIECTASIA, COMPLEMENTATION GROUP A; ATAXIA-TELANGIECTASIA, FRESNO VARIANT; Ataxia-telangiectasia, complementation group E; Ataxia telangiectasia (A-T); LOUIS-BAR SYNDROME; Cerebello-oculocutaneous telangiectasia. Identifiers: Orphanet 100, MedGen C0004135, MONDO:0008840, OMIM 208900.

Submission:

Labcorp Genetics (formerly Invitae), Labcorp
Classification: Uncertain significance for Ataxia-telangiectasia syndrome. Last evaluated: 2019-08-01. Review status: criteria provided, single submitter. Criteria: Invitae Variant Classification Sherloc (09022015). Collection method: clinical testing. Allele origin: germline.
Comment: In summary, the available evidence is currently insufficient to determine the role of this variant in disease. Therefore, it has been classified as a Variant of Uncertain Significance. This variant has not been reported in the literature in individuals with ATM-related conditions. This variant results in a copy number gain of the genomic region encompassing exons 16-56 of the ATM gene. While the exact position of this variant cannot be determined from this data, sub-genic copy number gains are generally in tandem (PMID: 25640679). This variant would be expected to be in-frame, preserving the integrity of the reading frame.

Literature cited by the submitters: PubMed 25640679.